The following is an entry in ClinVar:

ClinVar aggregate classification (germline): Uncertain significance (1 of 4 stars; one submission).

Conditions:
Hereditary cancer-predisposing syndrome. Also called: Neoplastic Syndromes, Hereditary; Tumor predisposition; Hereditary Cancer Syndrome; Hereditary neoplastic syndrome. Identifiers: Orphanet 140162, MedGen C0027672, MeSH D009386, MONDO:0015356.

Submission:

Ambry Genetics
Classification: Uncertain significance for Hereditary cancer-predisposing syndrome. Last evaluated: 2026-04-13. Review status: criteria provided, single submitter. Criteria: Ambry Variant Classification Scheme 2023. Collection method: clinical testing. Allele origin: germline.
Comment: The p.D1015N variant (also known as c.3043G>A), located in coding exon 15 of the APC gene, results from a G to A substitution at nucleotide position 3043. The aspartic acid at codon 1015 is replaced by asparagine, an amino acid with highly similar properties. This amino acid position is well conserved in available vertebrate species. In addition, in silico predictors for this gene do not accurately predict pathogenicity. Missense variants in APC are not a common cause of disease (Spier I et al. Genet Med. 2024 Feb;26(2):100992). Based on the available evidence, the clinical significance of this variant remains unclear.

NM_000038.6(APC):c.3043G>A (p.Asp1015Asn)

Gene: APC (APC regulator of Wnt signaling pathway; plus strand). Cytogenetic location: 5q22.2.
Variant type: single nucleotide variant.
Coding change: c.3043G>A on transcript NM_000038.6 (MANE Select); coding-DNA position 3043, G replaced by A.
Protein change: p.Asp1015Asn; replaces aspartic acid 1015 with asparagine.
Molecular consequence: missense variant. On other transcripts: non-coding transcript variant (2).
Genome position (GRCh38, 1-based): chr5:112,838,637, G>A. VCF-style: chr5-112838637-G-A. GRCh37 (hg19) VCF-style: chr5-112174334-G-A.
Other names: c.3043G>A, p.Asp1015Asn (NM_001127510.3, NM_001354895.2, NM_001407450.1); c.2989G>A, p.Asp997Asn (NM_001127511.3); c.3097G>A, p.Asp1033Asn (NM_001354896.2, NM_001407447.1, NM_001407448.1 and 1 more transcripts); c.3073G>A, p.Asp1025Asn (NM_001354897.2); c.2968G>A, p.Asp990Asn (NM_001354898.2); c.2959G>A, p.Asp987Asn (NM_001354899.2); c.2920G>A, p.Asp974Asn (NM_001354900.2); c.2866G>A, p.Asp956Asn (NM_001354901.2, NM_001407453.1); and 11 more; short protein forms D1005N, D1008N, D1015N, D1025N, D1033N, D1043N, D631N, D732N.
Identifiers: ClinVar variation 4861199 (VCV004861199.1).